The following is an entry in ClinVar:

NM_001042492.3(NF1):c.747A>G (p.Leu249=)

Gene: NF1 (neurofibromin 1; plus strand). Cytogenetic location: 17q11.2.
Variant type: single nucleotide variant.
Coding change: c.747A>G on transcript NM_001042492.3 (MANE Select); coding-DNA position 747, A replaced by G.
Protein change: p.Leu249=; no amino-acid change (leucine 249 retained).
Molecular consequence: synonymous variant.
Genome position (GRCh38, 1-based): chr17:31,182,524, A>G. VCF-style: chr17-31182524-A-G. GRCh37 (hg19) VCF-style: chr17-29509542-A-G.
Other names: c.747A>G, p.Leu249= (NM_000267.4, NM_001128147.3).
Identifiers: ClinVar variation 230710 (VCV000230710.16), dbSNP rs761964963, ClinGen allele CA8485636.
Genomic context (GRCh38, chr17:31,182,524, plus strand): 5'-TTTGTTCCTATCTAATAATGTCATTTAATATATTTTTCATGCAGAATGTGCAGAAAAGCT[A>G]TTTGACTTGGTGGATGGTTTTGCTGAAAGCACCAAACGTAAAGCAGCAGTTTGGCCACTA-3'
Protein context (NP_001035957.1, residues 239-259): QTDMAECAEK[Leu249=]FDLVDGFAES

ClinVar aggregate classification (germline): Benign/Likely benign. Review status: criteria provided, multiple submitters, no conflicts (2 of 4 stars). 6 submissions from 6 submitters: Benign (2); Likely benign (4). Last evaluated 2026-05-14.

Conditions:
Hereditary cancer-predisposing syndrome. Also called: Neoplastic Syndromes, Hereditary; Hereditary Cancer Syndrome; Tumor predisposition; Hereditary neoplastic syndrome. Identifiers: Orphanet 140162, MedGen C0027672, MeSH D009386, MONDO:0015356.
Neurofibromatosis, type 1 (NF1). Also called: Peripheral type neurofibromatosis; Neurofibromatosis, type I; VON RECKLINGHAUSEN DISEASE; NEUROFIBROMATOSIS, TYPE I, SOMATIC. Identifiers: Orphanet 636, MedGen C0027831, MONDO:0018975, OMIM 162200. Disease mechanism: loss of function.

Allele frequency attached by ClinVar (database versions not stated): TOPMed below 0.00001; ExAC 0.00001; gnomAD exomes 0.00001.
gnomAD v4.1: 15 of 1,614,086 alleles (0.00093%); highest among the groups gnomAD compares: South Asian, 0.0022%; no homozygotes.

Submissions (6):

Myriad Genetics, Inc.
Classification: Benign for Neurofibromatosis, type 1. Last evaluated: 2026-05-14. Review status: criteria provided, single submitter. Criteria: Myriad Autosomal Dominant, Autosomal Recessive and X-Linked Classification Criteria (2023). Collection method: clinical testing. Allele origin: unknown.
Comment: This variant is considered benign. This variant is a silent/synonymous amino acid change and it is not expected to impact splicing.

Labcorp Genetics (formerly Invitae), Labcorp
Classification: Likely benign for Neurofibromatosis, type 1. Last evaluated: 2025-07-29. Review status: criteria provided, single submitter. Criteria: Invitae Variant Classification Sherloc (09022015). Collection method: clinical testing. Allele origin: germline.

KCCC/NGS Laboratory, Kuwait Cancer Control Center
Classification: Benign for Neurofibromatosis, type 1. Last evaluated: 2025-02-01. Review status: criteria provided, single submitter. Criteria: ACMG Guidelines, 2015. Collection method: clinical testing. Allele origin: germline. Affected: no.

Blueprint Genetics
Classification: Likely benign. Last evaluated: 2022-07-17. Review status: criteria provided, single submitter. Criteria: ACMG Guidelines, 2015. Collection method: clinical testing. Allele origin: germline.

Genome-Nilou Lab
Classification: Likely benign for Neurofibromatosis, type 1. Last evaluated: 2022-03-15. Review status: criteria provided, single submitter. Criteria: ACMG Guidelines, 2015. Collection method: clinical testing. Allele origin: germline. Affected: no.

Ambry Genetics
Classification: Likely benign for Hereditary cancer-predisposing syndrome. Last evaluated: 2015-03-09. Review status: criteria provided, single submitter. Criteria: Ambry Autosomal Dominant and X-Linked criteria (10/2015). Collection method: clinical testing. Allele origin: germline. Observed: 1 variant allele.